The following is an entry in ClinVar:

ClinVar aggregate classification (germline): Uncertain significance (1 of 4 stars; one submission).

Conditions:
2-aminoadipic 2-oxoadipic aciduria (AAKAD). Also called: Aminoadipic aciduria; ALPHA-AMINOADIPIC AND ALPHA-KETOADIPIC ACIDURIA. Identifiers: Orphanet 79154, MedGen C1859817, MONDO:0008774, OMIM 204750.

gnomAD v4.1: 3 of 1,607,838 alleles (0.00019%); highest among the groups gnomAD compares: Non-Finnish European, 0.00017%; no homozygotes.

Submission:

Labcorp Genetics (formerly Invitae), Labcorp
Classification: Uncertain significance for 2-aminoadipic 2-oxoadipic aciduria. Last evaluated: 2024-04-18. Review status: criteria provided, single submitter. Criteria: Invitae Variant Classification Sherloc (09022015). Collection method: clinical testing. Allele origin: germline.
Comment: This sequence change replaces methionine, which is neutral and non-polar, with threonine, which is neutral and polar, at codon 782 of the DHTKD1 protein (p.Met782Thr). This variant is not present in population databases (gnomAD no frequency). This variant has not been reported in the literature in individuals affected with DHTKD1-related conditions. Advanced modeling of protein sequence and biophysical properties (such as structural, functional, and spatial information, amino acid conservation, physicochemical variation, residue mobility, and thermodynamic stability) performed at Invitae indicates that this missense variant is expected to disrupt DHTKD1 protein function with a positive predictive value of 80%. In summary, the available evidence is currently insufficient to determine the role of this variant in disease. Therefore, it has been classified as a Variant of Uncertain Significance.

NM_018706.7(DHTKD1):c.2345T>C (p.Met782Thr)

Gene: DHTKD1 (dehydrogenase E1 and transketolase domain containing 1; plus strand). Cytogenetic location: 10p14.
Variant type: single nucleotide variant.
Coding change: c.2345T>C on transcript NM_018706.7 (MANE Select); coding-DNA position 2345, T replaced by C.
Protein change: p.Met782Thr; replaces methionine 782 with threonine.
Molecular consequence: missense variant.
Genome position (GRCh38, 1-based): chr10:12,117,698, T>C. VCF-style: chr10-12117698-T-C. GRCh37 (hg19) VCF-style: chr10-12159697-T-C.
Other names: short protein forms M782T.
Identifiers: ClinVar variation 3650356 (VCV003650356.2).